The following is an entry in ClinVar:

NM_020320.5(RARS2):c.998G>A (p.Arg333Gln)

Gene: RARS2 (arginyl-tRNA synthetase 2, mitochondrial; minus strand). Cytogenetic location: 6q15.
Variant type: single nucleotide variant.
Coding change: c.998G>A on transcript NM_020320.5 (MANE Select); coding-DNA position 998, G replaced by A.
Protein change: p.Arg333Gln; replaces arginine 333 with glutamine.
Molecular consequence: missense variant. On other transcripts: non-coding transcript variant (23).
Genome position (GRCh38, 1-based): chr6:87,521,501, C>T on the plus strand (G>A on the coding strand, the complement: RARS2 is on the minus strand). VCF-style: chr6-87521501-C-T. GRCh37 (hg19) VCF-style: chr6-88231219-C-T.
Other names: c.473G>A, p.Arg158Gln (NM_001318785.2, NM_001350506.2, NM_001350507.2 and 4 more transcripts); c.998G>A, p.Arg333Gln (NM_001350505.2); short protein forms R158Q, R333Q.
Identifiers: ClinVar variation 3708342 (VCV003708342.2).

ClinVar aggregate classification (germline): Uncertain significance (1 of 4 stars; one submission).

gnomAD v4.1: 44 of 1,612,006 alleles (0.0027%); highest among the groups gnomAD compares: Non-Finnish European, 0.0035%; no homozygotes.

Submission:

Labcorp Genetics (formerly Invitae), Labcorp
Classification: Uncertain significance. Last evaluated: 2024-11-18. Review status: criteria provided, single submitter. Criteria: Invitae Variant Classification Sherloc (09022015). Collection method: clinical testing. Allele origin: germline.
Comment: This sequence change replaces arginine, which is basic and polar, with glutamine, which is neutral and polar, at codon 333 of the RARS2 protein (p.Arg333Gln). This variant is present in population databases (rs762917520, gnomAD 0.006%). This variant has not been reported in the literature in individuals affected with RARS2-related conditions. Invitae Evidence Modeling of protein sequence and biophysical properties (such as structural, functional, and spatial information, amino acid conservation, physicochemical variation, residue mobility, and thermodynamic stability) indicates that this missense variant is expected to disrupt RARS2 protein function with a positive predictive value of 95%. In summary, the available evidence is currently insufficient to determine the role of this variant in disease. Therefore, it has been classified as a Variant of Uncertain Significance.